The following is an entry in ClinVar:

NM_001372.4(DNAH9):c.2353+8G>A

Gene: DNAH9 (dynein axonemal heavy chain 9; plus strand). Cytogenetic location: 17p12.
Variant type: single nucleotide variant.
Coding change: c.2353+8G>A on transcript NM_001372.4 (MANE Select); 8 bases into the intron after coding-DNA position 2353, G replaced by A.
Molecular consequence: intron variant.
Genome position (GRCh38, 1-based): chr17:11,651,332, G>A. VCF-style: chr17-11651332-G-A. GRCh37 (hg19) VCF-style: chr17-11554649-G-A.
Other names: c.2353+8G>A (NM_001372.3).
Identifiers: ClinVar variation 2076267 (VCV002076267.6), dbSNP rs749513881, ClinGen allele CA8395145.

ClinVar aggregate classification (germline): Likely benign. Review status: criteria provided, single submitter (1 of 4 stars). 2 submissions from 2 submitters: Likely benign (1). 1 of the submissions does not count toward it. Last evaluated 2025-11-24.

Conditions:
DNAH9-related disorder. Also called: DNAH9-related condition.

Allele frequency attached by ClinVar (database versions not stated): gnomAD 0.00003; TOPMed 0.00006; gnomAD exomes 0.00008; ExAC 0.00013.
gnomAD v4.1: 49 of 1,608,704 alleles (0.003%); highest among the groups gnomAD compares: Admixed American, 0.082%; no homozygotes.

Submissions (2):

Labcorp Genetics (formerly Invitae), Labcorp
Classification: Likely benign. Last evaluated: 2025-11-24. Review status: criteria provided, single submitter. Criteria: Invitae Variant Classification Sherloc (09022015). Collection method: clinical testing. Allele origin: germline.

PreventionGenetics, part of Exact Sciences
Classification: Likely benign for DNAH9-related condition. Last evaluated: 2019-08-13. Review status: no assertion criteria provided. Collection method: clinical testing. Allele origin: germline. Not counted in ClinVar's aggregate classification.
Comment: This variant is classified as likely benign based on ACMG/AMP sequence variant interpretation guidelines (Richards et al. 2015 PMID: 25741868, with internal and published modifications).